The following is an entry in ClinVar:

NM_201384.3(PLEC):c.5390G>A (p.Arg1797His)

Gene: PLEC (plectin; minus strand). Cytogenetic location: 8q24.3.
Variant type: single nucleotide variant.
Coding change: c.5390G>A on transcript NM_201384.3 (MANE Select); coding-DNA position 5390, G replaced by A.
Protein change: p.Arg1797His; replaces arginine 1797 with histidine.
Molecular consequence: missense variant.
Genome position (GRCh38, 1-based): chr8:143,924,539, C>T on the plus strand (G>A on the coding strand, the complement: PLEC is on the minus strand). VCF-style: chr8-143924539-C-T. GRCh37 (hg19) VCF-style: chr8-144998707-C-T.
Other names: c.5471G>A, p.Arg1824His (NM_000445.5); c.5348G>A, p.Arg1783His (NM_201378.4); c.5324G>A, p.Arg1775His (NM_201379.3); c.5801G>A, p.Arg1934His (NM_201380.4); c.5294G>A, p.Arg1765His (NM_201381.3); c.5390G>A, p.Arg1797His (NM_201382.4); c.5402G>A, p.Arg1801His (NM_201383.3); short protein forms R1765H, R1775H, R1783H, R1797H, R1801H, R1824H, R1934H.
Identifiers: ClinVar variation 196720 (VCV000196720.34), dbSNP rs782581787, ClinGen allele CA243822.
Genomic context (GRCh38, chr8:143,924,539, plus strand): 5'-CGCTGCCGCTTGGCCTCTTCCGCCAGGGCACGCAGGCGGGCGGCCTCCTCGGCCAGCTCG[C>T]GGAACCGGCCGGCCTCGGCCTCCAGCCTCTGCTTGGACTTCTCGCTGGTGGAGCGCGACT-3'
Protein context (NP_958786.1, residues 1787-1807): QRLEAEAGRF[Arg1797His]ELAEEAARLR

ClinVar aggregate classification (germline): Uncertain significance. Review status: criteria provided, multiple submitters, no conflicts (2 of 4 stars). 9 submissions from 9 submitters: Uncertain significance (8). 1 of the submissions does not count toward it. Last evaluated 2026-02-25.

Conditions:
PLEC-related disorder. Also called: PLEC-related disorders; PLEC-related condition.
Epidermolysis bullosa simplex, Ogna type (EBS5A). Also called: Pidermolysis bullosa simplex 5A, Ogna type; EPIDERMOLYSIS BULLOSA SIMPLEX 5A, OGNA TYPE. Identifiers: Orphanet 79401, MedGen C0432317, MONDO:0007555, OMIM 131950.
Epidermolysis bullosa simplex 5C, with pyloric atresia (EBS5C). Also called: PLEC-Related Epidermolysis Bullosa with Pyloric Atresia; Epidermolysis bullosa simplex with pyloric atresia; PLEC1-Related Epidermolysis Bullosa with Pyloric Atresia. Identifiers: Orphanet 158684, MedGen C2677349, MONDO:0012807, OMIM 612138.
Autosomal recessive limb-girdle muscular dystrophy type 2Q (LGMDR17). Also called: MUSCULAR DYSTROPHY, LIMB-GIRDLE, AUTOSOMAL RECESSIVE 17. Identifiers: Orphanet 254361, MedGen C3150989, MONDO:0013390, OMIM 613723.
Epidermolysis bullosa simplex with nail dystrophy (EBS5D). Identifiers: MedGen C4225309, MONDO:0014661, OMIM 616487.
Epidermolysis bullosa simplex 5B, with muscular dystrophy (EBS5B). Also called: EPIDERMOLYSIS BULLOSA SIMPLEX AND LIMB-GIRDLE MUSCULAR DYSTROPHY; Epidermolysis bullosa simplex with muscular dystrophy. Identifiers: Orphanet 257, MedGen C2931072, MONDO:0009181, OMIM 226670.
Arrhythmogenic right ventricular dysplasia 1. Identifiers: Orphanet 3403, MedGen C1862511, MONDO:0007152, OMIM 107970.

Allele frequency attached by ClinVar (database versions not stated): gnomAD exomes 0.00015 and 0.00024; TOPMed 0.00016; gnomAD 0.00017 and 0.00019; ExAC 0.00019.
gnomAD v4.1: 351 of 1,538,656 alleles (0.023%); highest among the groups gnomAD compares: Non-Finnish European, 0.027%; no homozygotes.

Submissions (9):

Women's Health and Genetics/Laboratory Corporation of America, LabCorp
Classification: Uncertain significance. Last evaluated: 2026-02-25. Review status: criteria provided, single submitter. Criteria: LabCorp Variant Classification Summary - May 2015. Collection method: clinical testing. Allele origin: germline.
Comment: Variant summary: PLEC c.5471G>A (p.Arg1824His) results in a non-conservative amino acid change in the encoded protein sequence. Algorithms developed to predict the effect of missense changes on protein structure and function all suggest that this variant is likely to be disruptive. The variant allele was found at a frequency of 0.00015 in 140078 control chromosomes. This frequency is not significantly higher than estimated for disease-causing variants in PLEC, allowing no conclusion about variant significance. To our knowledge, no occurrence of c.5471G>A in individuals affected with PLEC-related conditions and no experimental evidence demonstrating its impact on protein function have been reported. ClinVar contains an entry for this variant (Variation ID: 196720). Based on the evidence outlined above, the variant was classified as uncertain significance.

Labcorp Genetics (formerly Invitae), Labcorp
Classification: Uncertain significance for Autosomal recessive limb-girdle muscular dystrophy type 2Q; Epidermolysis bullosa simplex, Ogna type; Epidermolysis bullosa simplex with nail dystrophy; Epidermolysis bullosa simplex 5C, with pyloric atresia; Epidermolysis bullosa simplex 5B, with muscular dystrophy. Last evaluated: 2026-01-26. Review status: criteria provided, single submitter. Criteria: Invitae Variant Classification Sherloc (09022015). Collection method: clinical testing. Allele origin: germline.
Comment: This sequence change replaces arginine, which is basic and polar, with histidine, which is basic and polar, at codon 1824 of the PLEC protein (p.Arg1824His). This variant is present in population databases (rs782581787, gnomAD 0.02%). This variant has not been reported in the literature in individuals affected with PLEC-related conditions. ClinVar contains an entry for this variant (Variation ID: 196720). Invitae Evidence Modeling of protein sequence and biophysical properties (such as structural, functional, and spatial information, amino acid conservation, physicochemical variation, residue mobility, and thermodynamic stability) indicates that this missense variant is not expected to disrupt PLEC protein function with a negative predictive value of 80%. In summary, the available evidence is currently insufficient to determine the role of this variant in disease. Therefore, it has been classified as a Variant of Uncertain Significance.

CeGaT Center for Human Genetics Tuebingen
Classification: Uncertain significance. Last evaluated: 2025-03-01. Review status: criteria provided, single submitter. Criteria: CeGaT Center For Human Genetics Tuebingen Variant Classification Criteria Version 2. Collection method: clinical testing. Allele origin: germline. Affected: yes. Observed: 1 variant allele.

Blueprint Genetics
Classification: Uncertain significance. Last evaluated: 2024-10-10. Review status: criteria provided, single submitter. Criteria: ACMG Guidelines, 2015. Collection method: clinical testing. Allele origin: germline.

Revvity Omics, Revvity
Classification: Uncertain significance. Last evaluated: 2024-08-09. Review status: criteria provided, single submitter. Criteria: ACMG Guidelines, 2015. Collection method: clinical testing. Allele origin: germline.

GeneDx
Classification: Uncertain significance. Last evaluated: 2018-01-29. Review status: criteria provided, single submitter. Criteria: GeneDx Variant Classification (06012015). Collection method: clinical testing. Allele origin: germline. Affected: yes.
Comment: The R1824H variant has not been published as a pathogenic variant, nor has it been reported as a benign variant to our knowledge. The R1824H variant is observed in 17/68,386 (0.03%) alleles from individuals of European background (Lek et al., 2016). This variant is a conservative amino acid substitution, which is not likely to impact secondary protein structure as these residues share similar properties. In addition, most reported pathogenic variants in the PLEC gene are truncating/loss-of-function. However, in-silico analyses, including protein predictors and evolutionary conservation, support a deleterious effect.

Eurofins Ntd Llc (ga)
Classification: Uncertain significance. Last evaluated: 2015-05-14. Review status: criteria provided, single submitter. Criteria: EGL Classification Definitions 2015. Collection method: clinical testing. Allele origin: germline. Observed: 2 variant alleles, 2 heterozygotes.

Baylor-Hopkins Center for Mendelian Genomics, Johns Hopkins University School of Medicine
Classification: Uncertain significance for Arrhythmogenic right ventricular dysplasia, familial 1. Review status: criteria provided, single submitter. Criteria: ACMG Guidelines, 2015. Collection method: research. Allele origin: unknown. Affected: yes. Observed: 1 variant allele, 1 heterozygote.

PreventionGenetics, part of Exact Sciences
Classification: Uncertain significance for PLEC-related condition. Last evaluated: 2024-06-26. Review status: no assertion criteria provided. Collection method: clinical testing. Allele origin: germline. Not counted in ClinVar's aggregate classification.
Comment: The PLEC c.5471G>A variant is predicted to result in the amino acid substitution p.Arg1824His. To our knowledge, this variant has not been reported in the literature. This variant is reported in 0.025% of alleles in individuals of European (Non-Finnish) descent in gnomAD. At this time, the clinical significance of this variant is uncertain due to the absence of conclusive functional and genetic evidence.